The following is an entry in ClinVar:

NM_000273.3(GPR143):c.134T>C (p.Leu45Pro)

Gene: GPR143 (G protein-coupled receptor 143; minus strand). Cytogenetic location: Xp22.2.
Variant type: single nucleotide variant.
Coding change: c.134T>C on transcript NM_000273.3 (MANE Select); coding-DNA position 134, T replaced by C.
Protein change: p.Leu45Pro; replaces leucine 45 with proline.
Molecular consequence: missense variant.
Genome position (GRCh38, 1-based): chrX:9,765,684, A>G on the plus strand (T>C on the coding strand, the complement: GPR143 is on the minus strand). VCF-style: chrX-9765684-A-G. GRCh37 (hg19) VCF-style: chrX-9733724-A-G.
Other names: c.134T>C (NM_000273.2); short protein forms L45P.
Identifiers: ClinVar variation 1437875 (VCV001437875.9), dbSNP rs949566161, ClinGen allele CA326107273.

ClinVar aggregate classification (germline): Uncertain significance. Review status: criteria provided, multiple submitters, no conflicts (2 of 4 stars). 4 submissions from 4 submitters: Uncertain significance (4). Last evaluated 2026-09-08.

Conditions:
Inborn genetic diseases. Identifiers: MedGen C0950123, MeSH D030342.
GPR143-related disorder. Also called: GPR143-related condition.

Allele frequency attached by ClinVar (database versions not stated): gnomAD exomes 0.00001; gnomAD 0.00012 and 0.00014; TOPMed 0.00022.
gnomAD v4.1: 26 of 1,060,348 alleles (0.0025%); highest among the groups gnomAD compares: Admixed American, 0.06%; no homozygotes.

Submissions (4):

PreventionGenetics, part of Exact Sciences
Classification: Uncertain significance for GPR143-related condition. Last evaluated: 2026-09-08. Review status: criteria provided, single submitter. Criteria: ACMG Guidelines, 2015. Collection method: clinical testing. Allele origin: germline.
Comment: The GPR143 c.134T>C variant is predicted to result in the amino acid substitution p.Leu45Pro. To our knowledge, this variant has not been reported in the literature. This variant is reported in 0.011% of alleles in individuals of Latino descent in gnomAD. At this time, the clinical significance of this variant is uncertain due to the absence of conclusive functional and genetic evidence.

Labcorp Genetics (formerly Invitae), Labcorp
Classification: Uncertain significance. Last evaluated: 2026-01-29. Review status: criteria provided, single submitter. Criteria: Invitae Variant Classification Sherloc (09022015). Collection method: clinical testing. Allele origin: germline.
Comment: This sequence change replaces leucine, which is neutral and non-polar, with proline, which is neutral and non-polar, at codon 45 of the GPR143 protein (p.Leu45Pro). This variant is present in population databases (no rsID available, gnomAD 0.01%). This variant has not been reported in the literature in individuals affected with GPR143-related conditions. ClinVar contains an entry for this variant (Variation ID: 1437875). Invitae Evidence Modeling of protein sequence and biophysical properties (such as structural, functional, and spatial information, amino acid conservation, physicochemical variation, residue mobility, and thermodynamic stability) has been performed for this missense variant. However, the output from this modeling did not meet the statistical confidence thresholds required to predict the impact of this variant on GPR143 protein function. In summary, the available evidence is currently insufficient to determine the role of this variant in disease. Therefore, it has been classified as a Variant of Uncertain Significance.

Ambry Genetics
Classification: Uncertain significance for Inborn genetic diseases. Last evaluated: 2023-10-27. Review status: criteria provided, single submitter. Criteria: Ambry Variant Classification Scheme 2023. Collection method: clinical testing. Allele origin: germline.

Breakthrough Genomics
Classification: Uncertain significance. Review status: criteria provided, single submitter. Criteria: ACMG Guidelines, 2015. Collection method: not provided. Allele origin: germline. Inheritance: X-linked inheritance. Affected: yes.